The following is an entry in ClinVar:

NM_032578.4(MYPN):c.772T>C (p.Ser258Pro)

Gene: MYPN (myopalladin; plus strand). Cytogenetic location: 10q21.3.
Variant type: single nucleotide variant.
Coding change: c.772T>C on transcript NM_032578.4 (MANE Select); coding-DNA position 772, T replaced by C.
Protein change: p.Ser258Pro; replaces serine 258 with proline.
Molecular consequence: missense variant. On other transcripts: 5 prime UTR variant (1), non-coding transcript variant (1).
Genome position (GRCh38, 1-based): chr10:68,122,210, T>C. VCF-style: chr10-68122210-T-C. GRCh37 (hg19) VCF-style: chr10-69881967-T-C.
Other names: c.772T>C, p.Ser258Pro (NM_001256267.2); c.-351T>C (NM_001256268.2); c.772T>C (NM_032578.2); short protein forms S258P.
Identifiers: ClinVar variation 1046327 (VCV001046327.9), dbSNP rs1403261361, ClinGen allele CA377105078.
Genomic context (GRCh38, chr10:68,122,210, plus strand): 5'-GCGGAGCAGGCTGCCAGTGAGGCGGCTGGTGGAGACACTACACCAGGGTCTTCCCCTTCA[T>C]CTCTGTACTATGAAGAACCTCTGGGGCAACCTCCCCGGTTCACTCAAAAGTTACGGAGCA-3'
Protein context (NP_115967.2, residues 248-268): GDTTPGSSPS[Ser258Pro]LYYEEPLGQP

ClinVar aggregate classification (germline): Uncertain significance. Review status: criteria provided, multiple submitters, no conflicts (2 of 4 stars). 2 submissions from 2 submitters: Uncertain significance (2). Last evaluated 2025-02-07.

Conditions:
Cardiovascular phenotype. Identifiers: MedGen CN230736.
Dilated cardiomyopathy 1KK (CMD1KK). Identifiers: Orphanet 154, Orphanet 75249, MedGen C3714995, MONDO:0014100, OMIM 615248.

Allele frequency attached by ClinVar (database versions not stated): gnomAD exomes below 0.00001.

Submissions (2):

Ambry Genetics
Classification: Uncertain significance for Cardiovascular phenotype. Last evaluated: 2025-02-07. Review status: criteria provided, single submitter. Criteria: Ambry Variant Classification Scheme 2023. Collection method: clinical testing. Allele origin: germline.

Labcorp Genetics (formerly Invitae), Labcorp
Classification: Uncertain significance for Dilated cardiomyopathy 1KK. Last evaluated: 2020-04-14. Review status: criteria provided, single submitter. Criteria: Invitae Variant Classification Sherloc (09022015). Collection method: clinical testing. Allele origin: germline.
Comment: This sequence change replaces serine with proline at codon 258 of the MYPN protein (p.Ser258Pro). The serine residue is moderately conserved and there is a moderate physicochemical difference between serine and proline. This variant is not present in population databases (ExAC no frequency). This variant has not been reported in the literature in individuals with MYPN-related conditions. Algorithms developed to predict the effect of missense changes on protein structure and function are either unavailable or do not agree on the potential impact of this missense change (SIFT: "Deleterious"; PolyPhen-2: "Possibly Damaging"; Align-GVGD: "Class C0"). In summary, the available evidence is currently insufficient to determine the role of this variant in disease. Therefore, it has been classified as a Variant of Uncertain Significance.